The following is an entry in ClinVar:

NM_006648.4(WNK2):c.2215C>A (p.Pro739Thr)

Gene: WNK2 (WNK lysine deficient protein kinase 2; plus strand). Cytogenetic location: 9q22.31.
Variant type: single nucleotide variant.
Coding change: c.2215C>A on transcript NM_006648.4 (MANE Select); coding-DNA position 2215, C replaced by A.
Protein change: p.Pro739Thr; replaces proline 739 with threonine.
Molecular consequence: missense variant.
Genome position (GRCh38, 1-based): chr9:93,256,972, C>A. VCF-style: chr9-93256972-C-A. GRCh37 (hg19) VCF-style: chr9-96019254-C-A.
Other names: c.2215C>A, p.Pro739Thr (NM_001282394.3); short protein forms P739T.
Identifiers: ClinVar variation 3982048 (VCV003982048.1).

ClinVar aggregate classification (germline): Uncertain significance (1 of 4 stars; one submission).

gnomAD v4.1: 2 of 1,585,192 alleles (0.00013%); highest among the groups gnomAD compares: Non-Finnish European, 0.00017%; no homozygotes.

Submission:

Ambry Genetics
Classification: Uncertain significance. Last evaluated: 2025-05-16. Review status: criteria provided, single submitter. Criteria: Ambry Variant Classification Scheme 2023. Collection method: clinical testing. Allele origin: germline.
Comment: The p.P739T variant (also known as c.2215C>A), located in coding exon 10 of the WNK2 gene, results from a C to A substitution at nucleotide position 2215. The proline at codon 739 is replaced by threonine, an amino acid with highly similar properties. This amino acid position is conserved. In addition, this alteration is predicted to be tolerated by in silico analysis. Based on the available evidence, the clinical significance of this variant remains unclear.